The following is an entry in ClinVar:

NM_000297.4(PKD2):c.813A>C (p.Lys271Asn)

Gene: PKD2 (polycystin 2, transient receptor potential cation channel; plus strand). Cytogenetic location: 4q22.1.
Variant type: single nucleotide variant.
Coding change: c.813A>C on transcript NM_000297.4 (MANE Select); coding-DNA position 813, A replaced by C.
Protein change: p.Lys271Asn; replaces lysine 271 with asparagine.
Molecular consequence: missense variant. On other transcripts: non-coding transcript variant (1).
Genome position (GRCh38, 1-based): chr4:88,036,323, A>C. VCF-style: chr4-88036323-A-C. GRCh37 (hg19) VCF-style: chr4-88957475-A-C.
Other names: c.813A>C, p.Lys271Asn (NM_001440544.1); short protein forms K271N.
Identifiers: ClinVar variation 4744572 (VCV004744572.1).
Genomic context (GRCh38, chr4:88,036,323, plus strand): 5'-GATGATGTCACAGCTCTTCCTAGACACCCCCGTGTCCAAAACGGAGAAAACTAACTTTAA[A>C]ACTCTGTCTTCCATGGAAGACTTCTGGAAGGTATTTGCAAATAACTTTGAAAGTACCTCT-3'
Protein context (NP_000288.1, residues 261-281): PVSKTEKTNF[Lys271Asn]TLSSMEDFWK

ClinVar aggregate classification (germline): Uncertain significance (1 of 4 stars; one submission).

Conditions:
Autosomal dominant polycystic kidney disease. Identifiers: Orphanet 730, MedGen C0085413, MONDO:0004691.

Submission:

Labcorp Genetics (formerly Invitae), Labcorp
Classification: Uncertain significance for Autosomal dominant polycystic kidney disease. Last evaluated: 2025-10-12. Review status: criteria provided, single submitter. Criteria: Invitae Variant Classification Sherloc (09022015). Collection method: clinical testing. Allele origin: germline.
Comment: This sequence change replaces lysine, which is basic and polar, with asparagine, which is neutral and polar, at codon 271 of the PKD2 protein (p.Lys271Asn). This variant is not present in population databases (gnomAD no frequency). This variant has not been reported in the literature in individuals affected with PKD2-related conditions. Invitae Evidence Modeling of protein sequence and biophysical properties (such as structural, functional, and spatial information, amino acid conservation, physicochemical variation, residue mobility, and thermodynamic stability) indicates that this missense variant is not expected to disrupt PKD2 protein function with a negative predictive value of 80%. In summary, the available evidence is currently insufficient to determine the role of this variant in disease. Therefore, it has been classified as a Variant of Uncertain Significance.